The following is an entry in ClinVar:

NM_002667.5(PLN):c.31G>C (p.Ala11Pro)

Genes: CEP85L (centrosomal protein 85L; minus strand), PLN (phospholamban; plus strand). Cytogenetic location: 6q22.31.
Variant type: single nucleotide variant.
Coding change: c.31G>C on transcript NM_002667.5 (MANE Select); coding-DNA position 31, G replaced by C.
Protein change: p.Ala11Pro; replaces alanine 11 with proline.
Molecular consequence: missense variant. On other transcripts: intron variant (3).
Genome position (GRCh38, 1-based): chr6:118,558,952, G>C. VCF-style: chr6-118558952-G-C. GRCh37 (hg19) VCF-style: chr6-118880115-G-C.
Other names: c.1029+6577C>G (NM_001178035.2); c.1020+6577C>G (NM_001042475.3, NM_206921.3); short protein forms A11P.
Identifiers: ClinVar variation 2090664 (VCV002090664.4), dbSNP rs2114969616, ClinGen allele CA365546054.

ClinVar aggregate classification (germline): Uncertain significance (1 of 4 stars; one submission).

Conditions:
Dilated cardiomyopathy 1P (CMD1P). Identifiers: Orphanet 154, MedGen C1835928, MONDO:0012362, OMIM 609909.

Submission:

Labcorp Genetics (formerly Invitae), Labcorp
Classification: Uncertain significance for Dilated cardiomyopathy 1P. Last evaluated: 2022-01-28. Review status: criteria provided, single submitter. Criteria: Invitae Variant Classification Sherloc (09022015). Collection method: clinical testing. Allele origin: germline.
Comment: In summary, the available evidence is currently insufficient to determine the role of this variant in disease. Therefore, it has been classified as a Variant of Uncertain Significance. Algorithms developed to predict the effect of missense changes on protein structure and function (SIFT, PolyPhen-2, Align-GVGD) all suggest that this variant is likely to be disruptive. This variant has not been reported in the literature in individuals affected with PLN-related conditions. This variant is not present in population databases (gnomAD no frequency). This sequence change replaces alanine, which is neutral and non-polar, with proline, which is neutral and non-polar, at codon 11 of the PLN protein (p.Ala11Pro).